The following is an entry in ClinVar:

NM_007272.3(CTRC):c.64T>C (p.Phe22Leu)

Gene: CTRC (chymotrypsin C; plus strand). Cytogenetic location: 1p36.21.
Variant type: single nucleotide variant.
Coding change: c.64T>C on transcript NM_007272.3 (MANE Select); coding-DNA position 64, T replaced by C.
Protein change: p.Phe22Leu; replaces phenylalanine 22 with leucine.
Molecular consequence: missense variant.
Genome position (GRCh38, 1-based): chr1:15,440,323, T>C. VCF-style: chr1-15440323-T-C. GRCh37 (hg19) VCF-style: chr1-15766819-T-C.
Other names: short protein forms F22L.
Identifiers: ClinVar variation 2564424 (VCV002564424.2), dbSNP rs2526289392, ClinGen allele CA338564471.

ClinVar aggregate classification (germline): Uncertain significance (1 of 4 stars; one submission).

Conditions:
Hereditary pancreatitis (PCTT). Also called: Hereditary chronic pancreatitis; PRSS1-Related Hereditary Pancreatitis. Identifiers: Orphanet 676, MedGen C0238339, MONDO:0008185, OMIM 167800.

Submission:

Ambry Genetics
Classification: Uncertain significance for Hereditary pancreatitis. Last evaluated: 2023-03-22. Review status: criteria provided, single submitter. Criteria: Ambry Variant Classification Scheme 2023. Collection method: clinical testing. Allele origin: germline.
Comment: The p.F22L variant (also known as c.64T>C), located in coding exon 2 of the CTRC gene, results from a T to C substitution at nucleotide position 64. The phenylalanine at codon 22 is replaced by leucine, an amino acid with highly similar properties. This amino acid position is conserved. In addition, this alteration is predicted to be tolerated by in silico analysis. Since supporting evidence is limited at this time, the clinical significance of this alteration remains unclear.